The following is an entry in ClinVar:

NM_006206.6(PDGFRA):c.1508C>A (p.Ala503Asp)

Gene: PDGFRA (platelet derived growth factor receptor alpha; plus strand). Cytogenetic location: 4q12.
Variant type: single nucleotide variant.
Coding change: c.1508C>A on transcript NM_006206.6 (MANE Select); coding-DNA position 1508, C replaced by A.
Protein change: p.Ala503Asp; replaces alanine 503 with aspartic acid.
Molecular consequence: missense variant.
Genome position (GRCh38, 1-based): chr4:54,273,680, C>A. VCF-style: chr4-54273680-C-A. GRCh37 (hg19) VCF-style: chr4-55139847-C-A.
Other names: c.1508C>A, p.Ala503Asp (NM_001347827.2, NM_001347829.2); c.1583C>A, p.Ala528Asp (NM_001347828.2); c.1547C>A, p.Ala516Asp (NM_001347830.2); short protein forms A528D, A503D, A516D.
Identifiers: ClinVar variation 854650 (VCV000854650.18), dbSNP rs1723541535, ClinGen allele CA356892708.

ClinVar aggregate classification (germline): Uncertain significance (1 of 4 stars; one submission).

Conditions:
Gastrointestinal stromal tumor. Also called: Gastrointestinal stromal tumor, somatic; Gastrointestinal stroma tumor. Identifiers: Orphanet 44890, MedGen C0238198, MeSH D046152, MONDO:0011719, OMIM 606764, HP:0100723.

Submission:

Labcorp Genetics (formerly Invitae), Labcorp
Classification: Uncertain significance for Gastrointestinal stromal tumor. Last evaluated: 2022-01-27. Review status: criteria provided, single submitter. Criteria: Invitae Variant Classification Sherloc (09022015). Collection method: clinical testing. Allele origin: germline.
Comment: This sequence change replaces alanine, which is neutral and non-polar, with aspartic acid, which is acidic and polar, at codon 503 of the PDGFRA protein (p.Ala503Asp). In summary, the available evidence is currently insufficient to determine the role of this variant in disease. Therefore, it has been classified as a Variant of Uncertain Significance. Algorithms developed to predict the effect of missense changes on protein structure and function (SIFT, PolyPhen-2, Align-GVGD) all suggest that this variant is likely to be disruptive. ClinVar contains an entry for this variant (Variation ID: 854650). This variant has not been reported in the literature in individuals affected with PDGFRA-related conditions. This variant is not present in population databases (gnomAD no frequency).